The following is an entry in ClinVar:

ClinVar aggregate classification (germline): Benign/Likely benign. Review status: criteria provided, multiple submitters, no conflicts (2 of 4 stars). 5 submissions from 5 submitters: Benign (1); Likely benign (4). Last evaluated 2026-05-19.

Conditions:
Hereditary cancer-predisposing syndrome. Also called: Hereditary neoplastic syndrome; Neoplastic Syndromes, Hereditary; Hereditary Cancer Syndrome; Tumor predisposition. Identifiers: Orphanet 140162, MedGen C0027672, MeSH D009386, MONDO:0015356.
Neurofibromatosis, type 1 (NF1). Also called: NEUROFIBROMATOSIS, TYPE I, SOMATIC; Neurofibromatosis, type I; VON RECKLINGHAUSEN DISEASE; Peripheral type neurofibromatosis. Identifiers: Orphanet 636, MedGen C0027831, MONDO:0018975, OMIM 162200. Disease mechanism: loss of function.

Allele frequency attached by ClinVar (database versions not stated): ESP Exome Variant Server 0.00015; gnomAD exomes 0.00001; ExAC 0.00002.

Submissions (5):

Myriad Genetics, Inc.
Classification: Benign for Neurofibromatosis, type 1. Last evaluated: 2026-05-19. Review status: criteria provided, single submitter. Criteria: Myriad Autosomal Dominant, Autosomal Recessive and X-Linked Classification Criteria (2023). Collection method: clinical testing. Allele origin: unknown.
Comment: This variant is considered benign. This variant is a silent/synonymous amino acid change and it is not expected to impact splicing.

Labcorp Genetics (formerly Invitae), Labcorp
Classification: Likely benign for Neurofibromatosis, type 1. Last evaluated: 2025-12-23. Review status: criteria provided, single submitter. Criteria: Invitae Variant Classification Sherloc (09022015). Collection method: clinical testing. Allele origin: germline.

Genome-Nilou Lab
Classification: Likely benign for Neurofibromatosis, type 1. Last evaluated: 2022-03-15. Review status: criteria provided, single submitter. Criteria: ACMG Guidelines, 2015. Collection method: clinical testing. Allele origin: germline. Affected: no.

GeneDx
Classification: Likely benign. Last evaluated: 2021-03-17. Review status: criteria provided, single submitter. Criteria: GeneDx Variant Classification Process June 2021. Collection method: clinical testing. Allele origin: germline. Affected: yes.

Ambry Genetics
Classification: Likely benign for Hereditary cancer-predisposing syndrome. Last evaluated: 2015-03-05. Review status: criteria provided, single submitter. Criteria: Ambry Autosomal Dominant and X-Linked criteria (10/2015). Collection method: clinical testing. Allele origin: germline. Observed: 1 variant allele.

NM_001042492.3(NF1):c.3843C>T (p.Ala1281=)

Gene: NF1 (neurofibromin 1; plus strand). Cytogenetic location: 17q11.2.
Variant type: single nucleotide variant.
Coding change: c.3843C>T on transcript NM_001042492.3 (MANE Select); coding-DNA position 3843, C replaced by T.
Protein change: p.Ala1281=; no amino-acid change (alanine 1281 retained).
Molecular consequence: synonymous variant.
Genome position (GRCh38, 1-based): chr17:31,235,745, C>T. VCF-style: chr17-31235745-C-T. GRCh37 (hg19) VCF-style: chr17-29562763-C-T.
Other names: c.3843C>T, p.Ala1281= (NM_000267.4).
Identifiers: ClinVar variation 230886 (VCV000230886.17), dbSNP rs150426576, ClinGen allele CA8486238.